The following is an entry in ClinVar:

NM_001267550.2(TTN):c.23273dup (p.Ser7758fs)

Gene: TTN (titin; minus strand). Cytogenetic location: 2q31.2.
Variant type: Duplication.
Coding change: c.23273dup on transcript NM_001267550.2 (MANE Select); coding-DNA position 23273, one base duplicated (G; older notation c.23273dupG).
Protein change: p.Ser7758fs; shifts the reading frame from serine 7758.
Molecular consequence: frameshift variant. On other transcripts: intron variant (3).
Genome position (GRCh38, 1-based): chr2:178,720,489, C duplicated on the plus strand (G on the coding strand, the reverse complement: TTN is on the minus strand). VCF-style (leftmost placement, unchanged base first): chr2-178720488-A-AC. GRCh37 (hg19) VCF-style: chr2-179585215-A-AC.
Other names: c.22322dup, p.Ser7441fs (NM_001256850.1); c.19541dup, p.Ser6514fs (NM_133378.4); c.13282+17593dup (NM_003319.4); c.13858+17593dup (NM_133437.4); c.13657+17593dup (NM_133432.3); short protein forms S6514fs, S7758fs, S7441fs.
Identifiers: ClinVar variation 1375253 (VCV001375253.6), dbSNP rs2154300674, ClinGen allele CA2573133912.

ClinVar aggregate classification (germline): Likely pathogenic (1 of 4 stars; one submission).

Conditions:
Dilated cardiomyopathy 1G (CMD1G). Identifiers: Orphanet 154, MedGen C1858763, MONDO:0011400, OMIM 604145.
Autosomal recessive limb-girdle muscular dystrophy type 2J (LGMDR10). Also called: MUSCULAR DYSTROPHY, LIMB-GIRDLE, AUTOSOMAL RECESSIVE 10; Limb-girdle muscular dystrophy, type 2J. Identifiers: Orphanet 140922, MedGen C1837342, MONDO:0012127, OMIM 608807.

Submission:

Labcorp Genetics (formerly Invitae), Labcorp
Classification: Likely pathogenic for Dilated cardiomyopathy 1G; Autosomal recessive limb-girdle muscular dystrophy type 2J. Last evaluated: 2024-10-18. Review status: criteria provided, single submitter. Criteria: Invitae Variant Classification Sherloc (09022015). Collection method: clinical testing. Allele origin: germline.
Comment: This sequence change creates a premature translational stop signal (p.Ser7758Argfs*6) in the TTN gene. While this is not anticipated to result in nonsense mediated decay, it is expected to create a truncated TTN protein. This variant is not present in population databases (gnomAD no frequency). This variant has not been reported in the literature in individuals affected with TTN-related conditions. ClinVar contains an entry for this variant (Variation ID: 1375253). This variant is located in the I band of TTN (PMID: 25589632). Truncating variants in this region have been reported in individuals affected with autosomal recessive centronuclear myopathy (PMID: 23975875, internal data). Truncating variants in this region have also been identified in individuals affected with autosomal dominant dilated cardiomyopathy and/or cardio-related conditions (PMID: 27869827, 32964742, internal data). In summary, the currently available evidence indicates that the variant is pathogenic, but additional data are needed to prove that conclusively. Therefore, this variant has been classified as Likely Pathogenic.

Literature cited by the submitters: PubMed 25589632; PubMed 23975875; PubMed 27869827; PubMed 32964742.